The following is an entry in ClinVar:

NM_001378457.1(DMXL2):c.9151C>T (p.Pro3051Ser)

Gene: DMXL2 (Dmx like 2; minus strand). Cytogenetic location: 15q21.2.
Variant type: single nucleotide variant.
Coding change: c.9151C>T on transcript NM_001378457.1 (MANE Select); coding-DNA position 9151, C replaced by T.
Protein change: p.Pro3051Ser; replaces proline 3051 with serine.
Molecular consequence: missense variant. On other transcripts: non-coding transcript variant (2).
Genome position (GRCh38, 1-based): chr15:51,449,010, G>A on the plus strand (C>T on the coding strand, the complement: DMXL2 is on the minus strand). VCF-style: chr15-51449010-G-A. GRCh37 (hg19) VCF-style: chr15-51741207-G-A.
Other names: c.9088C>T, p.Pro3030Ser (NM_001174116.3); c.7177C>T, p.Pro2393Ser (NM_001174117.3); c.9148C>T, p.Pro3050Ser (NM_001378458.1); c.8863C>T, p.Pro2955Ser (NM_001378459.1); c.7066C>T, p.Pro2356Ser (NM_001378460.1); c.9085C>T, p.Pro3029Ser (NM_015263.5); short protein forms P2955S, P3029S, P3030S, P2393S, P3050S, P2356S, P3051S.
Identifiers: ClinVar variation 2021776 (VCV002021776.1), dbSNP rs2542920722, ClinGen allele CA392428619.
Genomic context (GRCh38, chr15:51,449,010, plus strand): 5'-AACTGAAATGTATATAAAAATAAAACCCCAATCTTTATAGAATGTCAAGAATTCTGTTAG[G>A]GATGTTAAAAGCATTGGGCAAAACCCTGGTTTTCAGCGTGCCATCTGCACCACAGGAGAA-3'
Protein context (NP_001365386.1, residues 3041-3058): TRVLPNAFNI[Pro3051Ser]NRILDIL

ClinVar aggregate classification (germline): Uncertain significance (1 of 4 stars; one submission).

Submission:

Labcorp Genetics (formerly Invitae), Labcorp
Classification: Uncertain significance. Last evaluated: 2022-05-08. Review status: criteria provided, single submitter. Criteria: Invitae Variant Classification Sherloc (09022015). Collection method: clinical testing. Allele origin: germline.
Comment: This sequence change replaces proline, which is neutral and non-polar, with serine, which is neutral and polar, at codon 3030 of the DMXL2 protein (p.Pro3030Ser). This variant is not present in population databases (gnomAD no frequency). This variant has not been reported in the literature in individuals affected with DMXL2-related conditions. Algorithms developed to predict the effect of missense changes on protein structure and function are either unavailable or do not agree on the potential impact of this missense change (SIFT: "Tolerated"; PolyPhen-2: "Possibly Damaging"; Align-GVGD: "Class C0"). In summary, the available evidence is currently insufficient to determine the role of this variant in disease. Therefore, it has been classified as a Variant of Uncertain Significance.